The following is an entry in ClinVar:

NM_000059.4(BRCA2):c.1816C>T (p.Pro606Ser)

Gene: BRCA2 (BRCA2 DNA repair associated; plus strand). Cytogenetic location: 13q13.1.
Variant type: single nucleotide variant.
Coding change: c.1816C>T on transcript NM_000059.4 (MANE Select); coding-DNA position 1816, C replaced by T.
Protein change: p.Pro606Ser; replaces proline 606 with serine.
Molecular consequence: missense variant.
Genome position (GRCh38, 1-based): chr13:32,333,294, C>T. VCF-style: chr13-32333294-C-T. GRCh37 (hg19) VCF-style: chr13-32907431-C-T.
Other names: short protein forms P606S.
Identifiers: ClinVar variation 495434 (VCV000495434.15), dbSNP rs765924757, ClinGen allele CA387766024.

ClinVar aggregate classification (germline): Conflicting classifications of pathogenicity. Review status: criteria provided, conflicting classifications (1 of 4 stars). 6 submissions from 6 submitters: Uncertain significance (3); Likely benign (1). 2 of the submissions do not count toward it. Last evaluated 2025-05-12.

Conditions:
Hereditary cancer-predisposing syndrome. Also called: Hereditary neoplastic syndrome; Tumor predisposition; Hereditary Cancer Syndrome; Neoplastic Syndromes, Hereditary. Identifiers: Orphanet 140162, MedGen C0027672, MeSH D009386, MONDO:0015356.
Hereditary breast ovarian cancer syndrome. Also called: Hereditary breast and/or ovarian cancer syndrome; BRCA1- and BRCA2-Associated Hereditary Breast and Ovarian Cancer; Breast and ovarian cancer; Hereditary breast and ovarian cancer; Hereditary breast and ovarian cancer syndrome; Hereditary breast and ovarian cancer syndrome (HBOC). Identifiers: Orphanet 145, MedGen C0677776, MeSH D061325, MONDO:0003582. Disease mechanism: loss of function.

gnomAD v4.1: 2 of 1,605,136 alleles (0.00012%); highest among the groups gnomAD compares: African/African-American, 0.0013%; no homozygotes.

Submissions (6):

Labcorp Genetics (formerly Invitae), Labcorp
Classification: Uncertain significance for Hereditary breast ovarian cancer syndrome. Last evaluated: 2025-05-12. Review status: criteria provided, single submitter. Criteria: Invitae Variant Classification Sherloc (09022015). Collection method: clinical testing. Allele origin: germline.
Comment: This sequence change replaces proline, which is neutral and non-polar, with serine, which is neutral and polar, at codon 606 of the BRCA2 protein (p.Pro606Ser). This variant is present in population databases (no rsID available, gnomAD 0.0009%). This missense change has been observed in individual(s) with breast and/or ovarian cancer (PMID: 18060494, 21520333). This variant is also known as 2044C>T. ClinVar contains an entry for this variant (Variation ID: 495434). Invitae Evidence Modeling of protein sequence and biophysical properties (such as structural, functional, and spatial information, amino acid conservation, physicochemical variation, residue mobility, and thermodynamic stability) indicates that this missense variant is not expected to disrupt BRCA2 protein function with a negative predictive value of 95%. In summary, the available evidence is currently insufficient to determine the role of this variant in disease. Therefore, it has been classified as a Variant of Uncertain Significance.

Ambry Genetics
Classification: Uncertain significance for Hereditary cancer-predisposing syndrome. Last evaluated: 2025-01-13. Review status: criteria provided, single submitter. Criteria: Ambry Variant Classification Scheme 2023. Collection method: clinical testing. Allele origin: germline.
Comment: The p.P606S variant (also known as c.1816C>T), located in coding exon 9 of the BRCA2 gene, results from a C to T substitution at nucleotide position 1816. The proline at codon 606 is replaced by serine, an amino acid with similar properties. This variant is also known as c.2044C>T and has been reported in the literature in an individual with a family history of hereditary breast and ovarian cancer (Esteban Carde&ntilde;osa E et al. Breast Cancer Res Treat, 2008 Nov;112:69-73) and in 2/60,466 breast cancer cases and 1/53,461 controls (Dorling et al. N Engl J Med. 2021 02;384:428-439). This amino acid position is poorly conserved in available vertebrate species. In addition, this alteration is predicted to be tolerated by in silico analysis. Since supporting evidence is limited at this time, the clinical significance of this alteration remains unclear.

University of Washington Department of Laboratory Medicine, University of Washington
Classification: Likely benign for Hereditary cancer-predisposing syndrome. Last evaluated: 2023-03-23. Review status: criteria provided, single submitter. Criteria: Dines et al. (Genet Med. 2020). Collection method: curation. Allele origin: germline.
Comment: Missense variant in a coldspot region where missense variants are very unlikely to be pathogenic (PMID:31911673).

BRCA2 exon 10 coldspot. Reclassification based on statistical prior probability.

Women's Health and Genetics/Laboratory Corporation of America, LabCorp
Classification: Uncertain significance. Last evaluated: 2017-01-02. Review status: criteria provided, single submitter. Criteria: LabCorp Variant Classification Summary - May 2015. Collection method: clinical testing. Allele origin: germline.
Comment: Variant summary: The BRCA2 c.1816C>T (p.Pro606Ser) variant involves the alteration of a non-conserved nucleotide and is predicted to be damaging by 3/5 in silico tools. This variant is absent in 117916 control chromosomes from ExAC. This variant was found in one HBOC patient in literature without strong evidence for pathogenicity and they authors also classify it as a UV (unclassified variant). Taken together, this variant is classified as Variant of Uncertain Significance

Clinical Genetics DNA and cytogenetics Diagnostics Lab, Erasmus MC, Erasmus Medical Center
Classification: Likely benign. Review status: no assertion criteria provided. Collection method: clinical testing. Allele origin: germline. Affected: yes. Study: VKGL Data-share Consensus. Not counted in ClinVar's aggregate classification.

Diagnostic Laboratory, Department of Genetics, University Medical Center Groningen
Classification: Likely benign. Review status: no assertion criteria provided. Collection method: clinical testing. Allele origin: germline. Affected: yes. Study: VKGL Data-share Consensus. Not counted in ClinVar's aggregate classification.

Literature cited by the submitters: PubMed 18060494 (cited by 3 submitters); PubMed 21520333 (cited by Labcorp Genetics (formerly Invitae), Labcorp); PubMed 33471991 (cited by Ambry Genetics).